The following is an entry in ClinVar:

ClinVar aggregate classification (germline): Likely benign. Review status: criteria provided, single submitter (1 of 4 stars). 2 submissions from 2 submitters: Likely benign (1). 1 of the submissions does not count toward it. Last evaluated 2026-04-01.

Conditions:
EP300-related disorder. Also called: EP300-related condition; EP300-related disorders.

Submissions (2):

CeGaT Center for Human Genetics Tuebingen
Classification: Likely benign. Last evaluated: 2026-04-01. Review status: criteria provided, single submitter. Criteria: CeGaT Center For Human Genetics Tuebingen Variant Classification Criteria Version 2. Collection method: clinical testing. Allele origin: germline. Affected: yes. Observed: 1 variant allele.
Comment: EP300: BP4, BP7

PreventionGenetics, part of Exact Sciences
Classification: Likely benign for EP300-related condition. Last evaluated: 2021-10-15. Review status: no assertion criteria provided. Collection method: clinical testing. Allele origin: germline. Not counted in ClinVar's aggregate classification.
Comment: This variant is classified as likely benign based on ACMG/AMP sequence variant interpretation guidelines (Richards et al. 2015 PMID: 25741868, with internal and published modifications).

NM_001429.4(EP300):c.7050A>C (p.Gly2350=)

Gene: EP300 (EP300 lysine acetyltransferase; plus strand). Cytogenetic location: 22q13.2.
Variant type: single nucleotide variant.
Coding change: c.7050A>C on transcript NM_001429.4 (MANE Select); coding-DNA position 7050, A replaced by C.
Protein change: p.Gly2350=; no amino-acid change (glycine 2350 retained).
Molecular consequence: synonymous variant.
Genome position (GRCh38, 1-based): chr22:41,178,761, A>C. VCF-style: chr22-41178761-A-C. GRCh37 (hg19) VCF-style: chr22-41574765-A-C.
Other names: c.6972A>C, p.Gly2324= (NM_001362843.2).
Identifiers: ClinVar variation 3350724 (VCV003350724.3).